The following is an entry in ClinVar:

GRCh37/hg19 5q13.2(chr5:68728731-68849653)x3

Genes: GTF2H2C (GTF2H2 family member C; plus strand), MARVELD2 (MARVEL domain containing 2; plus strand), NAIP (NLR family apoptosis inhibitory protein), OCLN (occludin; plus strand), RAD17 (RAD17 checkpoint clamp loader component; plus strand) and 4 more. Cytogenetic location: 5q13.2.
Variant type: copy number gain.
Change: copy number 3 (three copies instead of two) of chr5:68,728,731-68,849,653 (120.9 kb, GRCh37 coordinates, 1-based), cytogenetic band 5q13.2.
Identifiers: ClinVar variation 393584 (VCV000393584.4).

ClinVar aggregate classification (germline): Likely benign (0 of 4 stars; one submission).

Submission:

Institute of Human Genetics, University of Goettingen
Classification: Likely benign. Last evaluated: 2017-01-10. Review status: no assertion criteria provided. Collection method: clinical testing. Allele origin: maternal. Affected: yes. Observed: 2 variant alleles.